The following is an entry in ClinVar:

NM_000138.5(FBN1):c.8533C>T (p.Leu2845=)

Gene: FBN1 (fibrillin 1; minus strand). Cytogenetic location: 15q21.1.
Variant type: single nucleotide variant.
Coding change: c.8533C>T on transcript NM_000138.5 (MANE Select); coding-DNA position 8533, C replaced by T.
Protein change: p.Leu2845=; no amino-acid change (leucine 2845 retained).
Molecular consequence: synonymous variant.
Genome position (GRCh38, 1-based): chr15:48,411,073, G>A on the plus strand (C>T on the coding strand, the complement: FBN1 is on the minus strand). VCF-style: chr15-48411073-G-A. GRCh37 (hg19) VCF-style: chr15-48703270-G-A.
Identifiers: ClinVar variation 700620 (VCV000700620.34), dbSNP rs767060377, ClinGen allele CA060143.

ClinVar aggregate classification (germline): Likely benign. Review status: criteria provided, multiple submitters, no conflicts (2 of 4 stars). 4 submissions from 4 submitters: Likely benign (4). Last evaluated 2026-01-12.

Conditions:
Marfan syndrome (MFS). Also called: Marfan syndrome type 1; Marfan's syndrome; Marfan syndrome, classic; FBN1-Related Marfan Syndrome; MARFAN SYNDROME, TYPE I. Identifiers: Orphanet 284963, Orphanet 558, MedGen C0024796, MONDO:0007947, OMIM 154700.
Familial thoracic aortic aneurysm and aortic dissection (TAAD). Also called: Thoracic aortic aneurysms and dissections. Identifiers: Orphanet 91387, MedGen C4707243, MONDO:0019625.

Allele frequency attached by ClinVar (database versions not stated): gnomAD exomes 0.00001 and 0.00002; ExAC 0.00002.
gnomAD v4.1: 6 of 1,613,890 alleles (0.00037%); highest among the groups gnomAD compares: Admixed American, 0.01%; no homozygotes.

Submissions (4):

Labcorp Genetics (formerly Invitae), Labcorp
Classification: Likely benign for Marfan syndrome; Familial thoracic aortic aneurysm and aortic dissection. Last evaluated: 2026-01-12. Review status: criteria provided, single submitter. Criteria: Invitae Variant Classification Sherloc (09022015). Collection method: clinical testing. Allele origin: germline.

All of Us Research Program, National Institutes of Health
Classification: Likely benign for Marfan syndrome. Last evaluated: 2023-09-17. Review status: criteria provided, single submitter. Criteria: ACMG Guidelines, 2015. Collection method: clinical testing. Allele origin: germline. Inheritance: Autosomal dominant inheritance. Observed: 1 variant allele, 1 heterozygote.
Comment: This study involves interpretation of variants in research participants for the purpose of population health screening. Participant phenotype was not available at the time of variant classification. Additional details can be found in publication PMID: 35346344, PMCID: PMC8962531

CeGaT Center for Human Genetics Tuebingen
Classification: Likely benign. Last evaluated: 2022-11-01. Review status: criteria provided, single submitter. Criteria: CeGaT Center For Human Genetics Tuebingen Variant Classification Criteria Version 2. Collection method: clinical testing. Allele origin: germline. Affected: yes. Observed: 1 variant allele.
Comment: FBN1: BP4

Color Diagnostics, LLC DBA Color Health
Classification: Likely benign for Familial thoracic aortic aneurysm and aortic dissection. Last evaluated: 2020-11-02. Review status: criteria provided, single submitter. Criteria: ACMG Guidelines, 2015. Collection method: clinical testing. Allele origin: germline.